The following is an entry in ClinVar:

NM_006073.4(TRDN):c.1375A>T (p.Arg459Ter)

Gene: TRDN (triadin; minus strand). Cytogenetic location: 6q22.31.
Variant type: single nucleotide variant.
Coding change: c.1375A>T on transcript NM_006073.4 (MANE Select); coding-DNA position 1375, A replaced by T.
Protein change: p.Arg459Ter; replaces arginine 459 with a stop codon.
Molecular consequence: nonsense.
Genome position (GRCh38, 1-based): chr6:123,337,664, T>A on the plus strand (A>T on the coding strand, the complement: TRDN is on the minus strand). VCF-style: chr6-123337664-T-A. GRCh37 (hg19) VCF-style: chr6-123658809-T-A.
Other names: short protein forms R459*.
Identifiers: ClinVar variation 573657 (VCV000573657.10), dbSNP rs1562267979, ClinGen allele CA365564946.

ClinVar aggregate classification (germline): Uncertain significance (1 of 4 stars; one submission).

Conditions:
Catecholaminergic polymorphic ventricular tachycardia 1. Also called: RYR2-Related Catecholaminergic Polymorphic Ventricular Tachycardia; VENTRICULAR TACHYCARDIA, CATECHOLAMINERGIC POLYMORPHIC, 1, WITH OR WITHOUT ATRIAL DYSFUNCTION AND/OR DILATED CARDIOMYOPATHY; VENTRICULAR TACHYCARDIA, STRESS-INDUCED POLYMORPHIC 1. Identifiers: Orphanet 3286, MedGen C1631597, MONDO:0011484, OMIM 604772.

Allele frequency attached by ClinVar (database versions not stated): gnomAD exomes below 0.00001; TOPMed below 0.00001.
gnomAD v4.1: 1 of 1,460,306 alleles (0.000068%); highest among the groups gnomAD compares: Non-Finnish European, 0.000092%; no homozygotes.

Submission:

Labcorp Genetics (formerly Invitae), Labcorp
Classification: Uncertain significance for Catecholaminergic polymorphic ventricular tachycardia 1. Last evaluated: 2020-12-23. Review status: criteria provided, single submitter. Criteria: Invitae Variant Classification Sherloc (09022015). Collection method: clinical testing. Allele origin: germline.
Comment: This variant has not been reported in the literature in individuals with TRDN-related conditions. ClinVar contains an entry for this variant (Variation ID: 573657). This variant is not present in population databases (ExAC no frequency). This sequence change creates a premature translational stop signal (p.Arg459*) in the TRDN gene. It is expected to result in an absent or disrupted protein product. This variant occurs in the long isoform of TRDN, also known as Trisk-95 (PMID: 19403623). The current clinical and genetic evidence is not sufficient to establish whether loss-of-function variants in the long isoform of TRDN cause disease. In summary, the available evidence is currently insufficient to determine the role of this variant in disease. Therefore, it has been classified as a Variant of Uncertain Significance.

Literature cited by the submitters: PubMed 19403623.